The following is an entry in ClinVar:

ClinVar aggregate classification (germline): Pathogenic (1 of 4 stars; one submission).

Conditions:
Peroxisome biogenesis disorder. Identifiers: Orphanet 79189, MedGen C1832200, MONDO:0019234. Disease mechanism: loss of function.

Submission:

Labcorp Genetics (formerly Invitae), Labcorp
Classification: Pathogenic for Peroxisome biogenesis disorder. Last evaluated: 2020-05-20. Review status: criteria provided, single submitter. Criteria: Invitae Variant Classification Sherloc (09022015). Collection method: clinical testing. Allele origin: germline.
Comment: This sequence change creates a premature translational stop signal (p.Leu602Profs*17) in the PEX6 gene. It is expected to result in an absent or disrupted protein product. This variant is not present in population databases (ExAC no frequency). For these reasons, this variant has been classified as Pathogenic. Loss-of-function variants in PEX6 are known to be pathogenic (PMID: 8670792, 19877282, 21031596). This variant has not been reported in the literature in individuals with PEX6-related conditions.

Literature cited by the submitters: PubMed 8670792; PubMed 19877282; PubMed 21031596.

NM_000287.4(PEX6):c.1805del (p.Leu602fs)

Gene: PEX6 (peroxisomal biogenesis factor 6; minus strand). Cytogenetic location: 6p21.1.
Variant type: Deletion.
Coding change: c.1805del on transcript NM_000287.4 (MANE Select); coding-DNA position 1805, one base deleted (T; older notation c.1805delT).
Protein change: p.Leu602fs; shifts the reading frame from leucine 602.
Molecular consequence: frameshift variant. On other transcripts: non-coding transcript variant (1).
Genome position (GRCh38, 1-based): chr6:42,967,447, A deleted on the plus strand (T on the coding strand, the reverse complement: PEX6 is on the minus strand). VCF-style (leftmost placement, unchanged base first): chr6-42967446-GA-G. GRCh37 (hg19) VCF-style: chr6-42935184-GA-G.
Other names: c.1541del, p.Leu514fs (NM_001316313.2); short protein forms L514fs, L602fs.
Identifiers: ClinVar variation 1075830 (VCV001075830.7), dbSNP rs2114242547, ClinGen allele CA2499218298.